The following is an entry in ClinVar:

ClinVar aggregate classification (germline): Uncertain significance (1 of 4 stars; one submission).

Allele frequency attached by ClinVar (database versions not stated): TOPMed below 0.00001.

Submission:

GeneDx
Classification: Uncertain significance. Last evaluated: 2022-12-13. Review status: criteria provided, single submitter. Criteria: GeneDx Variant Classification Process June 2021. Collection method: clinical testing. Allele origin: germline. Affected: yes.
Comment: Not observed at significant frequency in large population cohorts (gnomAD); In silico analysis supports that this missense variant does not alter protein structure/function; Has not been previously published as pathogenic or benign to our knowledge

NM_001005273.3(CHD3):c.5969C>T (p.Pro1990Leu)

Gene: CHD3 (chromodomain helicase DNA binding protein 3; plus strand). Cytogenetic location: 17p13.1.
Variant type: single nucleotide variant.
Coding change: c.5969C>T on transcript NM_001005273.3 (MANE Select); coding-DNA position 5969, C replaced by T.
Protein change: p.Pro1990Leu; replaces proline 1990 with leucine.
Molecular consequence: missense variant.
Genome position (GRCh38, 1-based): chr17:7,911,551, C>T. VCF-style: chr17-7911551-C-T. GRCh37 (hg19) VCF-style: chr17-7814869-C-T.
Other names: c.6146C>T, p.Pro2049Leu (NM_001005271.3); c.5867C>T, p.Pro1956Leu (NM_005852.4); short protein forms P1956L, P1990L, P2049L.
Identifiers: ClinVar variation 2505741 (VCV002505741.1), dbSNP rs1325744232, ClinGen allele CA397952162.